The following is an entry in ClinVar:

NM_006662.3(SRCAP):c.563A>G (p.Gln188Arg)

Gene: SRCAP (Snf2 related CREBBP activator protein; plus strand). Cytogenetic location: 16p11.2.
Variant type: single nucleotide variant.
Coding change: c.563A>G on transcript NM_006662.3 (MANE Select); coding-DNA position 563, A replaced by G.
Protein change: p.Gln188Arg; replaces glutamine 188 with arginine.
Molecular consequence: missense variant.
Genome position (GRCh38, 1-based): chr16:30,707,642, A>G. VCF-style: chr16-30707642-A-G. GRCh37 (hg19) VCF-style: chr16-30718963-A-G.
Other names: short protein forms Q188R.
Identifiers: ClinVar variation 1348016 (VCV001348016.8), dbSNP rs1324955818, ClinGen allele CA395599867.
Genomic context (GRCh38, chr16:30,707,642, plus strand): 5'-TGGTGATCCGGCACCACGAGGAGCAGCGGCAGAAAGAGGAACGGGCCCGGAGGGAGGAGC[A>G]GGCCAAGCTGCGTCGAATTGCTTCCACCATGGCCAAGGATGTCAGGCAGTTCTGGAGCAA-3'
Protein context (NP_006653.2, residues 178-198): QKEERARREE[Gln188Arg]AKLRRIASTM

ClinVar aggregate classification (germline): Uncertain significance (1 of 4 stars; one submission).

Allele frequency attached by ClinVar (database versions not stated): gnomAD exomes below 0.00001.

Submission:

Labcorp Genetics (formerly Invitae), Labcorp
Classification: Uncertain significance. Last evaluated: 2021-06-11. Review status: criteria provided, single submitter. Criteria: Invitae Variant Classification Sherloc (09022015). Collection method: clinical testing. Allele origin: germline.
Comment: This variant has not been reported in the literature in individuals with SRCAP-related conditions. Algorithms developed to predict the effect of missense changes on protein structure and function are either unavailable or do not agree on the potential impact of this missense change (SIFT: "Deleterious"; PolyPhen-2: "Not Available"; Align-GVGD: "Class C35"). In summary, the available evidence is currently insufficient to determine the role of this variant in disease. Therefore, it has been classified as a Variant of Uncertain Significance. This variant is not present in population databases (ExAC no frequency). This sequence change replaces glutamine with arginine at codon 188 of the SRCAP protein (p.Gln188Arg). The glutamine residue is highly conserved and there is a small physicochemical difference between glutamine and arginine.